The following is an entry in ClinVar:

NM_000179.3(MSH6):c.646A>G (p.Thr216Ala)

Gene: MSH6 (mutS homolog 6; plus strand). Cytogenetic location: 2p16.3.
Variant type: single nucleotide variant.
Coding change: c.646A>G on transcript NM_000179.3 (MANE Select); coding-DNA position 646, A replaced by G.
Protein change: p.Thr216Ala; replaces threonine 216 with alanine.
Molecular consequence: missense variant. On other transcripts: 5 prime UTR variant (9), non-coding transcript variant (4), intron variant (1).
Genome position (GRCh38, 1-based): chr2:47,798,629, A>G. VCF-style: chr2-47798629-A-G. GRCh37 (hg19) VCF-style: chr2-48025768-A-G.
Other names: c.349A>G, p.Thr117Ala (NM_001406819.1, NM_001406820.1, NM_001406821.1 and 10 more transcripts); c.-261A>G (NM_001406823.1, NM_001281493.2, NM_001281494.2 and 6 more transcripts); c.478A>G, p.Thr160Ala (NM_001406826.1); c.256A>G, p.Thr86Ala (NM_001281492.2); c.742A>G, p.Thr248Ala (NM_001406795.1, NM_001406802.1); c.646A>G, p.Thr216Ala (NM_001406796.1, NM_001406798.1, NM_001406800.1 and 4 more transcripts); c.121A>G, p.Thr41Ala (NM_001406799.1, NM_001406806.1, NM_001406807.1); c.568A>G, p.Thr190Ala (NM_001406804.1); and 2 more; short protein forms T190A, T218A, T216A, T248A, T41A, T86A, T117A, T160A.
Identifiers: ClinVar variation 2811914 (VCV002811914.3), dbSNP rs2104288443, ClinGen allele CA346739280.

ClinVar aggregate classification (germline): Uncertain significance (1 of 4 stars; one submission).

Conditions:
Hereditary nonpolyposis colorectal neoplasms. Identifiers: MedGen C0009405, MeSH D003123.

Submission:

Labcorp Genetics (formerly Invitae), Labcorp
Classification: Uncertain significance for Hereditary nonpolyposis colorectal neoplasms. Last evaluated: 2022-11-04. Review status: criteria provided, single submitter. Criteria: Invitae Variant Classification Sherloc (09022015). Collection method: clinical testing. Allele origin: germline.
Comment: In summary, the available evidence is currently insufficient to determine the role of this variant in disease. Therefore, it has been classified as a Variant of Uncertain Significance. Advanced modeling of protein sequence and biophysical properties (such as structural, functional, and spatial information, amino acid conservation, physicochemical variation, residue mobility, and thermodynamic stability) performed at Invitae indicates that this missense variant is not expected to disrupt MSH6 protein function. This variant has not been reported in the literature in individuals affected with MSH6-related conditions. This variant is not present in population databases (gnomAD no frequency). This sequence change replaces threonine, which is neutral and polar, with alanine, which is neutral and non-polar, at codon 216 of the MSH6 protein (p.Thr216Ala).